The following is an entry in ClinVar:

NM_000088.4(COL1A1):c.3973T>A (p.Trp1325Arg)

Gene: COL1A1 (collagen type I alpha 1 chain; minus strand). Cytogenetic location: 17q21.33.
Variant type: single nucleotide variant.
Coding change: c.3973T>A on transcript NM_000088.4 (MANE Select); coding-DNA position 3973, T replaced by A.
Protein change: p.Trp1325Arg; replaces tryptophan 1325 with arginine.
Molecular consequence: missense variant.
Genome position (GRCh38, 1-based): chr17:50,186,349, A>T on the plus strand (T>A on the coding strand, the complement: COL1A1 is on the minus strand). VCF-style: chr17-50186349-A-T. GRCh37 (hg19) VCF-style: chr17-48263710-A-T.
Other names: short protein forms W1325R.
Identifiers: ClinVar variation 3235187 (VCV003235187.1), dbSNP rs2509159844.

ClinVar aggregate classification (germline): Uncertain significance (1 of 4 stars; one submission).

Conditions:
Ehlers-Danlos syndrome, arthrochalasia type. Also called: ARTHROCHALASIS MULTIPLEX CONGENITA; EDS VII, MUTANT PROCOLLAGEN TYPE; EDS VIIA; Ehlers-Danlos syndrome, arthrochalasia type, 1; Ehlers-Danlos syndrome, arthrochalasis type. Identifiers: Orphanet 1899, Orphanet 99875, Orphanet 99876, MedGen C4551623, MONDO:0007525, OMIM 130060.

Submission:

MVZ Medizinische Genetik Mainz
Classification: Uncertain significance for Ehlers-Danlos syndrome, arthrochalasia type. Last evaluated: 2022-01-28. Review status: criteria provided, single submitter. Criteria: UK Practice Guidelines For Variant Classification V4 01 2020. Collection method: clinical testing. Allele origin: germline. Inheritance: Autosomal dominant inheritance. Affected: yes. Observed: 1 variant allele.
Comment: ACMG Criteria: PM2_SUP, PP2, PP3